The following is an entry in ClinVar:

ClinVar aggregate classification (germline): Pathogenic (0 of 4 stars; one submission).

Conditions:
Pyruvate dehydrogenase E1-alpha deficiency (PDHAD). Also called: ATAXIA, INTERMITTENT, WITH PYRUVATE DEHYDROGENASE DEFICIENCY; ATAXIA WITH LACTIC ACIDOSIS I; ATAXIA, INTERMITTENT, WITH ABNORMAL PYRUVATE METABOLISM; Ataxia, intermittent, with pyruvate dehydrogenase, or decarboxylase, deficiency. Identifiers: Orphanet 79243, MedGen C1839413, MONDO:0010717, OMIM 312170.

Submission:

PDHA1 Study Group, University Children’s Hospital, Paracelsus Medical University
Classification: Pathogenic for Pyruvate dehydrogenase E1-alpha deficiency. Last evaluated: 2024-10-15. Review status: no assertion criteria provided. Collection method: research. Allele origin: germline. Affected: yes. Observed: 1 variant allele.
Comment: The NM_000284.3:c.1147T>C (p.Trp383Arg) substitution is a missense variant in PDHA1 gene. The variant has been reported in 1 published case (PMIDs: 28918066). Last literature search: July 12, 2024. This variant is absent or extremely rare in population-based cohorts in the Genome Aggregation Database (gnomAD). Individuals harboring this variant presented with clinical features compatible with PDHA1-related PDHc deficiency. In summary, this variant meets criteria to be classified as pathogenic (P) for PDHA1-related PDHc deficiency based on the ACMG/AMP criteria applied: PVS1, PS2, PS3, PM2, PM7 (last assessment October 15, 2024).

Literature cited by the submitters: PubMed 28918066; DOI 10.1093/brain/awaf430.

NM_000284.4(PDHA1):c.1147T>C (p.Trp383Arg)

Gene: PDHA1 (pyruvate dehydrogenase E1 subunit alpha 1; plus strand). Cytogenetic location: Xp22.12.
Variant type: single nucleotide variant.
Coding change: c.1147T>C on transcript NM_000284.4 (MANE Select); coding-DNA position 1147, T replaced by C.
Protein change: p.Trp383Arg; replaces tryptophan 383 with arginine.
Molecular consequence: missense variant.
Genome position (GRCh38, 1-based): chrX:19,359,627, T>C. VCF-style: chrX-19359627-T-C. GRCh37 (hg19) VCF-style: chrX-19377745-T-C.
Other names: c.1261T>C, p.Trp421Arg (NM_001173454.2); c.1168T>C, p.Trp390Arg (NM_001173455.2); c.1054T>C, p.Trp352Arg (NM_001173456.2); short protein forms W352R, W383R, W390R, W421R.
Identifiers: ClinVar variation 4070477 (VCV004070477.1).